The following is an entry in ClinVar:

NM_000313.4(PROS1):c.793dup (p.Cys265fs)

Gene: PROS1 (protein S; minus strand). Cytogenetic location: 3q11.1.
Variant type: Duplication.
Coding change: c.793dup on transcript NM_000313.4 (MANE Select); coding-DNA position 793, one base duplicated (T; older notation c.793dupT).
Protein change: p.Cys265fs; shifts the reading frame from cysteine 265.
Molecular consequence: frameshift variant.
Genome position (GRCh38, 1-based): chr3:93,898,504, A duplicated on the plus strand (T on the coding strand, the reverse complement: PROS1 is on the minus strand); the first of 2 consecutive A bases (chr3:93,898,504-93,898,505); duplicating either gives the same sequence. VCF-style (leftmost placement, unchanged base first): chr3-93898503-C-CA. GRCh37 (hg19) VCF-style: chr3-93617347-C-CA.
Other names: c.889dup, p.Cys297fs (NM_001314077.2); short protein forms C265fs, C297fs.
Identifiers: ClinVar variation 1410953 (VCV001410953.6), dbSNP rs2107158205, ClinGen allele CA2573137477.

ClinVar aggregate classification (germline): Pathogenic (1 of 4 stars; one submission).

Conditions:
Thrombophilia due to protein S deficiency, autosomal recessive (THPH6). Identifiers: Orphanet 743, MedGen C3281092, MONDO:0013791, OMIM 614514. Disease mechanism: loss of function.

Submission:

Labcorp Genetics (formerly Invitae), Labcorp
Classification: Pathogenic for Thrombophilia due to protein S deficiency, autosomal recessive. Last evaluated: 2020-11-13. Review status: criteria provided, single submitter. Criteria: Invitae Variant Classification Sherloc (09022015). Collection method: clinical testing. Allele origin: germline.
Comment: For these reasons, this variant has been classified as Pathogenic. This variant has not been reported in the literature in individuals with PROS1-related conditions. This variant is not present in population databases (ExAC no frequency). This sequence change creates a premature translational stop signal (p.Cys265Leufs*4) in the PROS1 gene. It is expected to result in an absent or disrupted protein product. Loss-of-function variants in PROS1 are known to be pathogenic (PMID: 9241758).

Literature cited by the submitters: PubMed 9241758.